The following is an entry in ClinVar:

NM_001267550.2(TTN):c.35954C>A (p.Thr11985Asn)

Gene: TTN (titin; minus strand). Cytogenetic location: 2q31.2.
Variant type: single nucleotide variant.
Coding change: c.35954C>A on transcript NM_001267550.2 (MANE Select); coding-DNA position 35954, C replaced by A.
Protein change: p.Thr11985Asn; replaces threonine 11985 with asparagine.
Molecular consequence: missense variant. On other transcripts: intron variant (5).
Genome position (GRCh38, 1-based): chr2:178,665,713, G>T on the plus strand (C>A on the coding strand, the complement: TTN is on the minus strand). VCF-style: chr2-178665713-G-T. GRCh37 (hg19) VCF-style: chr2-179530440-G-T.
Other names: c.13283-23396C>A (NM_003319.4); c.13859-23396C>A (NM_133437.4); c.13658-23396C>A (NM_133432.3); c.31484-2658C>A (NM_133378.4); c.34265-2658C>A (NM_001256850.1); short protein forms T11985N.
Identifiers: ClinVar variation 4887932 (VCV004887932.2).

ClinVar aggregate classification (germline): Uncertain significance. Review status: criteria provided, multiple submitters, no conflicts (2 of 4 stars). 2 submissions from 2 submitters: Uncertain significance (2). Last evaluated 2026-01-22.

Conditions:
TTN-related disorder. Also called: TTN-related condition; TTN-related disease; TTN-related disorders.

gnomAD v4.1: 7 of 1,334,470 alleles (0.00052%); highest among the groups gnomAD compares: African/African-American, 0.0089%; no homozygotes.

Submissions (2):

GeneDx
Classification: Uncertain significance. Last evaluated: 2026-01-22. Review status: criteria provided, single submitter. Criteria: GeneDx Variant Classification Process June 2021. Collection method: clinical testing. Allele origin: germline.
Comment: Not observed at significant frequency in large population cohorts (gnomAD); Missense variant in a gene in which most reported pathogenic variants are truncating/loss of function; Has not been previously published as pathogenic or benign to our knowledge

PreventionGenetics, part of Exact Sciences
Classification: Uncertain significance for TTN-related condition. Last evaluated: 2025-12-16. Review status: criteria provided, single submitter. Criteria: ACMG Guidelines, 2015. Collection method: clinical testing. Allele origin: germline.
Comment: The TTN c.35954C>A variant is predicted to result in the amino acid substitution p.Thr11985Asn. To our knowledge, this variant has not been reported in the literature or in a large population database (gnomAD), indicating this variant is rare. At this time, the clinical significance of this variant is uncertain due to the absence of conclusive functional and genetic evidence.